The following is an entry in ClinVar:

ClinVar aggregate classification (germline): Benign (1 of 4 stars; one submission).

Allele frequency attached by ClinVar (database versions not stated): TOPMed 0.14340; gnomAD 0.14910; 1000 Genomes Project 30x 0.14975; 1000 Genomes Project 0.15196; gnomAD exomes 0.18731.
gnomAD v4.1: 271,804 of 1,482,442 alleles (18%); highest among the groups gnomAD compares: East Asian, 29%; 26,515 homozygotes.

Submission:

Unidad de Genómica Garrahan, Hospital de Pediatría Garrahan
Classification: Benign. Last evaluated: 2024-01-24. Review status: criteria provided, single submitter. Criteria: ACMG Guidelines, 2015. Collection method: clinical testing. Allele origin: germline. Affected: no. Observed: 20 variant alleles.
Comment: This variant is classified as Benign based on local population frequency. This variant was detected in 21% of patients studied by a panel of primary immunodeficiencies. Number of patients: 20. Only high quality variants are reported.

NM_014339.7(IL17RA):c.551-98C>T

Gene: IL17RA (interleukin 17 receptor A; plus strand). Cytogenetic location: 22q11.1.
Variant type: single nucleotide variant.
Coding change: c.551-98C>T on transcript NM_014339.7 (MANE Select); 98 bases into the intron before coding-DNA position 551, C replaced by T.
Molecular consequence: intron variant.
Genome position (GRCh38, 1-based): chr22:17,101,898, C>T. VCF-style: chr22-17101898-C-T. GRCh37 (hg19) VCF-style: chr22-17582788-C-T.
Other names: c.551-98C>T (NM_001289905.2).
Identifiers: ClinVar variation 2688338 (VCV002688338.2), dbSNP rs41454546, ClinGen allele CA15999544.